The following is an entry in ClinVar:

ClinVar aggregate classification (germline): Uncertain significance. Review status: criteria provided, multiple submitters, no conflicts (2 of 4 stars). 2 submissions from 2 submitters: Uncertain significance (2). Last evaluated 2025-07-04.

Conditions:
Primary dilated cardiomyopathy (DCM). Also called: Dilated Cardiomyopathy. Identifiers: Orphanet 217604, MedGen C0007193, MeSH D002311, MONDO:0005021, HP:0001644. Inheritance: Various modes of inheritance.

Allele frequency attached by ClinVar (database versions not stated): gnomAD exomes 0.00001; ExAC 0.00002; gnomAD 0.00003; 1000 Genomes Project 30x 0.00016; 1000 Genomes Project 0.00020.
gnomAD v4.1: 20 of 1,614,014 alleles (0.0012%); highest among the groups gnomAD compares: African/African-American, 0.0053%; no homozygotes.

Submissions (2):

Ambry Genetics
Classification: Uncertain significance. Last evaluated: 2025-07-04. Review status: criteria provided, single submitter. Criteria: Ambry Variant Classification Scheme 2023. Collection method: clinical testing. Allele origin: germline.

Petrovsky National Research Centre of Surgery, The Federal Agency for Scientific Organizations
Classification: Uncertain significance for Primary dilated cardiomyopathy. Last evaluated: 2024-09-07. Review status: criteria provided, single submitter. Criteria: ACMG Guidelines, 2015. Collection method: clinical testing. Allele origin: germline. Inheritance: Autosomal dominant inheritance. Affected: yes. Observed: 1 heterozygote.
Comment: The NM_001330239.4:c.3754G>A (p.Glu1252Lys) variant is in The Genome Aggregation Database (gnomAD) v4.1.0 with total MAF 0.00001239 (Date of access 05-09-2024). Clinvar contains an entry for this variant (Variation ID: 2301869). Most in silico predictors show benign result of the protein change. In accordance with ACMG (2015) criteria this variant is classified as Variant of Uncertain Significance (VUS) with following criteria selected: PM2, BP4.

NM_001330239.4(TJP1):c.3754G>A (p.Glu1252Lys)

Genes: TJP1 (tight junction protein 1; minus strand), LOC126862085 (P300/CBP strongly-dependent group 1 enhancer GRCh37_chr15:30010173-30011372; plus strand). Cytogenetic location: 15q13.1.
Variant type: single nucleotide variant.
Coding change: c.3754G>A on transcript NM_001330239.4 (MANE Select); coding-DNA position 3754, G replaced by A.
Protein change: p.Glu1252Lys; replaces glutamic acid 1252 with lysine.
Molecular consequence: missense variant.
Genome position (GRCh38, 1-based): chr15:29,718,388, C>T on the plus strand (G>A on the coding strand, the complement: TJP1 is on the minus strand). VCF-style: chr15-29718388-C-T. GRCh37 (hg19) VCF-style: chr15-30010592-C-T.
Other names: p.Glu1252Lys; c.4033G>A, p.Glu1345Lys (NM_001301025.3, NM_001355012.2); c.3526G>A, p.Glu1176Lys (NM_001301026.2); c.3766G>A, p.Glu1256Lys (NM_001355013.1); c.3754G>A, p.Glu1252Lys (NM_001355014.2, NM_003257.5); c.3514G>A, p.Glu1172Lys (NM_001355015.2, NM_175610.4); short protein forms E1176K, E1345K, E1252K, E1256K, E1172K.
Identifiers: ClinVar variation 2301869 (VCV002301869.5), dbSNP rs539329069, ClinGen allele CA7446700.